The following is an entry in ClinVar:

NM_001083961.2(WDR62):c.390G>A (p.Glu130=)

Gene: WDR62 (WD repeat domain 62; plus strand). Cytogenetic location: 19q13.12.
Variant type: single nucleotide variant.
Coding change: c.390G>A on transcript NM_001083961.2 (MANE Select); coding-DNA position 390, G replaced by A.
Protein change: p.Glu130=; no amino-acid change (glutamic acid 130 retained).
Molecular consequence: synonymous variant.
Genome position (GRCh38, 1-based): chr19:36,066,015, G>A. VCF-style: chr19-36066015-G-A. GRCh37 (hg19) VCF-style: chr19-36556917-G-A.
Other names: c.390G>A, p.Glu130= (NM_001411145.1, NM_001411146.1, NM_001411147.1 and 1 more transcripts).
Identifiers: ClinVar variation 4852768 (VCV004852768.1).

ClinVar aggregate classification (germline): Likely pathogenic (1 of 4 stars; one submission).

Conditions:
Microcephaly 2, primary, autosomal recessive, with or without cortical malformations. Also called: WDR62 Primary Microcephaly; MICROCEPHALY 2, PRIMARY, AUTOSOMAL RECESSIVE, WITH CORTICAL MALFORMATIONS. Identifiers: Orphanet 2512, MedGen C1858535, MONDO:0011435, OMIM 604317.

gnomAD v4.1: 9 of 1,614,016 alleles (0.00056%); highest among the groups gnomAD compares: South Asian, 0.0088%; no homozygotes.

Submission:

Diagnostics Services (NGS), CSIR - Centre For Cellular And Molecular Biology
Classification: Likely pathogenic for Microcephaly 2, primary, autosomal recessive, with or without cortical malformations. Last evaluated: 2026-05-05. Review status: criteria provided, single submitter. Criteria: ACMG Guidelines, 2015. Collection method: clinical testing. Allele origin: germline. Affected: yes. Observed: 1 variant allele, 1 homozygote.
Comment: The c.390G>A variant is not present in publicly available population databases like 1000 Genome, EVS, Indian Exome Database or in our internal database. The variant is present in gnomAD at a low frequency. This variant has been previously observed in individual(s) affected with WDR62-related conditions [PMID: 26577670] and reported to the Human Genome Mutation Database (HGMD ID - CS1513141). Algorithms developed to predict the effect of sequence changes on RNA splicing suggest that this variant can disrupt the consensus splice site. In-silico pathogenicity prediction programs like HSF3.1, MutationTaster2021, CADD, Franklin, etc predicted this variant to be likely deleterious.

Literature cited by the submitters: PubMed 26577670.